The following is an entry in ClinVar:

NM_001367721.1(CASK):c.1565G>T (p.Gly522Val)

Gene: CASK (calcium/calmodulin dependent serine protein kinase; minus strand). Cytogenetic location: Xp11.4.
Variant type: single nucleotide variant.
Coding change: c.1565G>T on transcript NM_001367721.1 (MANE Select); coding-DNA position 1565, G replaced by T.
Protein change: p.Gly522Val; replaces glycine 522 with valine.
Molecular consequence: missense variant.
Genome position (GRCh38, 1-based): chrX:41,569,685, C>A on the plus strand (G>T on the coding strand, the complement: CASK is on the minus strand). VCF-style: chrX-41569685-C-A. GRCh37 (hg19) VCF-style: chrX-41428938-C-A.
Other names: c.1565G>T, p.Gly522Val (NM_001126054.3, NM_003688.4); c.1547G>T, p.Gly516Val (NM_001126055.3, NM_001410745.1); short protein forms G516V, G522V.
Identifiers: ClinVar variation 1002465 (VCV001002465.10), dbSNP rs2065377974, ClinGen allele CA412995592.

ClinVar aggregate classification (germline): Uncertain significance (1 of 4 stars; one submission).

Conditions:
Intellectual disability, CASK-related, X-linked. Identifiers: MedGen CN043158.

Submission:

Labcorp Genetics (formerly Invitae), Labcorp
Classification: Uncertain significance for Intellectual disability, CASK-related, X-linked. Last evaluated: 2025-08-18. Review status: criteria provided, single submitter. Criteria: Invitae Variant Classification Sherloc (09022015). Collection method: clinical testing. Allele origin: germline.
Comment: This sequence change replaces glycine, which is neutral and non-polar, with valine, which is neutral and non-polar, at codon 522 of the CASK protein (p.Gly522Val). This variant is not present in population databases (gnomAD no frequency). This variant has not been reported in the literature in individuals affected with CASK-related conditions. ClinVar contains an entry for this variant (Variation ID: 1002465). Invitae Evidence Modeling of protein sequence and biophysical properties (such as structural, functional, and spatial information, amino acid conservation, physicochemical variation, residue mobility, and thermodynamic stability) indicates that this missense variant is not expected to disrupt CASK protein function with a negative predictive value of 80%. In summary, the available evidence is currently insufficient to determine the role of this variant in disease. Therefore, it has been classified as a Variant of Uncertain Significance.